The following is an entry in ClinVar:

ClinVar aggregate classification (germline): Uncertain significance. Review status: criteria provided, multiple submitters, no conflicts (2 of 4 stars). 2 submissions from 2 submitters: Uncertain significance (2). Last evaluated 2026-07-13.

Conditions:
Nephronophthisis. Also called: Juvenile Nephronophthisis. Identifiers: Orphanet 655, MedGen C0687120, MONDO:0019005, HP:0000090.
Jeune thoracic dystrophy. Also called: Jeune syndrome; Infantile thoracic dystrophy; Thoracic pelvic phalangeal dystrophy; Jeune's syndrome; Chondroectodermal dysplasia-like syndrome; Short-rib thoracic dysplasia. Identifiers: Orphanet 474, MedGen C0265275, MONDO:0018770.
TTC21B-related disorder. Also called: TTC21B-related disorders; TTC21B-related condition.

Submissions (2):

PreventionGenetics, part of Exact Sciences
Classification: Uncertain significance for TTC21B-related condition. Last evaluated: 2026-07-13. Review status: criteria provided, single submitter. Criteria: ACMG Guidelines, 2015. Collection method: clinical testing. Allele origin: germline.
Comment: The TTC21B c.1232_1234delGAC variant is predicted to result in an in-frame deletion (p.Arg411del). To our knowledge, this variant has not been reported in the literature. This variant is reported in 0.012% of alleles in individuals of Latino descent in gnomAD. At this time, the clinical significance of this variant is uncertain due to the absence of conclusive functional and genetic evidence.

Labcorp Genetics (formerly Invitae), Labcorp
Classification: Uncertain significance for Jeune thoracic dystrophy; Nephronophthisis. Last evaluated: 2025-05-27. Review status: criteria provided, single submitter. Criteria: Invitae Variant Classification Sherloc (09022015). Collection method: clinical testing. Allele origin: germline.
Comment: This variant, c.1232_1234del, results in the deletion of 1 amino acid(s) of the TTC21B protein (p.Arg411del), but otherwise preserves the integrity of the reading frame. This variant is present in population databases (rs768933427, gnomAD 0.01%). This variant has not been reported in the literature in individuals affected with TTC21B-related conditions. ClinVar contains an entry for this variant (Variation ID: 1397749). Experimental studies and prediction algorithms are not available or were not evaluated, and the functional significance of this variant is currently unknown. In summary, the available evidence is currently insufficient to determine the role of this variant in disease. Therefore, it has been classified as a Variant of Uncertain Significance.

NM_024753.5(TTC21B):c.1232_1234del (p.Arg411del)

Gene: TTC21B (tetratricopeptide repeat domain 21B; minus strand). Cytogenetic location: 2q24.3.
Variant type: Deletion.
Coding change: c.1232_1234del on transcript NM_024753.5 (MANE Select); coding-DNA positions 1232 to 1234, 3 bases deleted (GAC; older notation c.1232_1234delGAC).
Protein change: p.Arg411del; deletes arginine 411.
Molecular consequence: inframe deletion.
Genome position (GRCh38, 1-based): chr2:165,929,287-165,929,289, GTC deleted on the plus strand (GAC on the coding strand, the reverse complement: TTC21B is on the minus strand); deleting any 3 consecutive bases within chr2:165,929,287-165,929,291 gives the same sequence; the c. name uses the placement nearest the transcript's 3' end. VCF-style (leftmost placement, unchanged base first): chr2-165929286-TGTC-T. GRCh37 (hg19) VCF-style: chr2-166785796-TGTC-T.
Other names: c.1232_1234delGAC (NM_024753.4); short protein forms R411del.
Identifiers: ClinVar variation 1397749 (VCV001397749.5), dbSNP rs768933427, ClinGen allele CA1942189.